The following is an entry in ClinVar:

ClinVar aggregate classification (germline): Uncertain significance (1 of 4 stars; one submission).

Conditions:
Combined immunodeficiency with skin granulomas. Identifiers: Orphanet 157949, MedGen C2673536, MONDO:0009306, OMIM 233650.
Severe combined immunodeficiency, autosomal recessive, T cell-negative, B cell-negative, NK cell-positive. Also called: SCID, AR, T-cell negative, B-cell negative, NK cell-positive; Severe combined immunodeficiency due to complete RAG1/2 deficiency; SCID, T CELL-NEGATIVE, B CELL-NEGATIVE, NK CELL-POSITIVE. Identifiers: Orphanet 331206, MedGen C1832322, MONDO:0011086, OMIM 601457.

Allele frequency attached by ClinVar (database versions not stated): gnomAD exomes below 0.00001 and 0.00001; ExAC 0.00001.
gnomAD v4.1: 3 of 1,614,084 alleles (0.00019%); highest among the groups gnomAD compares: Non-Finnish European, 0.00025%; no homozygotes.

Submission:

Labcorp Genetics (formerly Invitae), Labcorp
Classification: Uncertain significance for Combined immunodeficiency with skin granulomas; Severe combined immunodeficiency, autosomal recessive, T cell-negative, B cell-negative, NK cell-positive. Last evaluated: 2022-06-20. Review status: criteria provided, single submitter. Criteria: Invitae Variant Classification Sherloc (09022015). Collection method: clinical testing. Allele origin: germline.
Comment: This sequence change replaces proline, which is neutral and non-polar, with alanine, which is neutral and non-polar, at codon 85 of the RAG1 protein (p.Pro85Ala). This variant is present in population databases (rs754321019, gnomAD 0.002%). This variant has not been reported in the literature in individuals affected with RAG1-related conditions. Advanced modeling of protein sequence and biophysical properties (such as structural, functional, and spatial information, amino acid conservation, physicochemical variation, residue mobility, and thermodynamic stability) performed at Invitae indicates that this missense variant is not expected to disrupt RAG1 protein function. In summary, the available evidence is currently insufficient to determine the role of this variant in disease. Therefore, it has been classified as a Variant of Uncertain Significance.

NM_000448.3(RAG1):c.253C>G (p.Pro85Ala)

Gene: RAG1 (recombination activating 1; plus strand). Cytogenetic location: 11p12.
Variant type: single nucleotide variant.
Coding change: c.253C>G on transcript NM_000448.3 (MANE Select); coding-DNA position 253, C replaced by G.
Protein change: p.Pro85Ala; replaces proline 85 with alanine.
Molecular consequence: missense variant.
Genome position (GRCh38, 1-based): chr11:36,573,557, C>G. VCF-style: chr11-36573557-C-G. GRCh37 (hg19) VCF-style: chr11-36595107-C-G.
Other names: c.253C>G, p.Pro85Ala (NM_001377277.1, NM_001377278.1, NM_001377279.1 and 1 more transcripts); short protein forms P85A.
Identifiers: ClinVar variation 1395308 (VCV001395308.5), dbSNP rs754321019, ClinGen allele CA5949935.